The following is an entry in ClinVar:

NM_022893.4(BCL11A):c.230T>G (p.Leu77Ter)

Gene: BCL11A (BCL11 transcription factor A; minus strand). Cytogenetic location: 2p16.1.
Variant type: single nucleotide variant.
Coding change: c.230T>G on transcript NM_022893.4 (MANE Select); coding-DNA position 230, T replaced by G.
Protein change: p.Leu77Ter; replaces leucine 77 with a stop codon.
Molecular consequence: nonsense. On other transcripts: 5 prime UTR variant (7).
Genome position (GRCh38, 1-based): chr2:60,546,126, A>C on the plus strand (T>G on the coding strand, the complement: BCL11A is on the minus strand). VCF-style: chr2-60546126-A-C. GRCh37 (hg19) VCF-style: chr2-60773261-A-C.
Other names: c.230T>G, p.Leu77Ter (NM_001363864.1, NM_001365609.1, NM_001405708.1 and 10 more transcripts); c.74T>G, p.Leu25Ter (NM_001405713.1, NM_001405714.1, NM_001405715.1 and 10 more transcripts); c.-196T>G (NM_001405720.1, NM_001405721.1); c.-446T>G (NM_001405725.1, NM_001405726.1, NM_001405731.1); c.-303T>G (NM_001405727.1, NM_001405728.1); short protein forms L25*, L77*.
Identifiers: ClinVar variation 3254642 (VCV003254642.1), dbSNP rs2467281469.

ClinVar aggregate classification (germline): Pathogenic (1 of 4 stars; one submission).

Conditions:
Dias-Logan syndrome. Also called: INTELLECTUAL DEVELOPMENTAL DISORDER WITH HEREDITARY PERSISTENCE OF FETAL HEMOGLOBIN; Intellectual developmental disorder with persistence of fetal hemoglobin. Identifiers: Orphanet 619233, MedGen C4310833, MONDO:0014914, OMIM 617101.

Submission:

Victorian Clinical Genetics Services, Murdoch Childrens Research Institute
Classification: Pathogenic for Dias-Logan syndrome. Last evaluated: 2023-07-17. Review status: criteria provided, single submitter. Criteria: ACMG Guidelines, 2015. Collection method: clinical testing. Allele origin: germline. Inheritance: Autosomal dominant inheritance. Affected: yes.
Comment: Based on the classification scheme VCGS_Germline_v1.3.4, this variant is classified as Pathogenic. Following criteria are met: 0102 - Loss of function is a known mechanism of disease in this gene and is associated with Dias-Logan syndrome (MIM#617101). (I) 0107 - This gene is associated with autosomal dominant disease. (I) 0201 - Variant is predicted to cause nonsense-mediated decay (NMD) and loss of protein (premature termination codon is located at least 54 nucleotides upstream of the final exon-exon junction). (SP) 0251 - This variant is heterozygous. (I) 0301 - Variant is absent from gnomAD (both v2 and v3). (SP) 0701 - Other NMD predicted variants comparable to the one identified in this case have very strong previous evidence for pathogenicity (DECIPHER, ClinVar). (SP) 0807 - This variant has no previous evidence of pathogenicity. (I) 0905 - No published segregation evidence has been identified for this variant. (I) 1007 - No published functional evidence has been identified for this variant. (SP) Legend: (SP) - Supporting pathogenic, (I) - Information, (SB) - Supporting benign